The following is an entry in ClinVar:

NC_000013.10:g.(?_48919196)_(48955599_?)del

Gene: RB1 (RB transcriptional corepressor 1; plus strand). Cytogenetic location: 13q14.2.
Variant type: Deletion.
Identifiers: ClinVar variation 2422881 (VCV002422881.4).

ClinVar aggregate classification (germline): Pathogenic (1 of 4 stars; one submission).

Conditions:
Retinoblastoma (RB1). Also called: RETINOBLASTOMA, SOMATIC. Identifiers: Orphanet 790, MedGen C0035335, MeSH D012175, MONDO:0008380, OMIM 180200, HP:0009919. Disease mechanism: loss of function. Inheritance: Both sporadic and heritable forms are tested..

Submission:

Labcorp Genetics (formerly Invitae), Labcorp
Classification: Pathogenic for Retinoblastoma. Last evaluated: 2022-05-17. Review status: criteria provided, single submitter. Criteria: Invitae Variant Classification Sherloc (09022015). Collection method: clinical testing. Allele origin: germline.
Comment: For these reasons, this variant has been classified as Pathogenic. This variant has not been reported in the literature in individuals affected with RB1-related conditions. This variant is a gross deletion of the genomic region encompassing exon(s) 4-17 of the RB1 gene. This deletion is out-of-frame, and is expected to create a premature termination codon and result in an absent or disrupted protein product. Loss-of-function variants in RB1 are known to be pathogenic (PMID: 17096365).

Literature cited by the submitters: PubMed 17096365.